The following is an entry in ClinVar:

NM_002474.3(MYH11):c.5365C>G (p.Gln1789Glu)

Genes: NDE1 (nudE neurodevelopment protein 1; plus strand), MYH11 (myosin heavy chain 11; minus strand). Cytogenetic location: 16p13.11.
Variant type: single nucleotide variant.
Coding change: c.5365C>G on transcript NM_002474.3 (MANE Select); coding-DNA position 5365, C replaced by G.
Protein change: p.Gln1789Glu; replaces glutamine 1789 with glutamic acid.
Molecular consequence: missense variant. On other transcripts: intron variant (2).
Genome position (GRCh38, 1-based): chr16:15,717,279, G>C on the plus strand (C>G on the coding strand, the complement: MYH11 is on the minus strand). VCF-style: chr16-15717279-G-C. GRCh37 (hg19) VCF-style: chr16-15811136-G-C.
Other names: c.5386C>G, p.Gln1796Glu (NM_001040113.2, NM_001040114.2); c.5365C>G, p.Gln1789Glu (NM_022844.3); c.948-6912G>C (NM_001143979.2, NM_017668.3); short protein forms Q1796E, Q1789E.
Identifiers: ClinVar variation 640443 (VCV000640443.8), dbSNP rs1596704952, ClinGen allele CA394849064.

ClinVar aggregate classification (germline): Uncertain significance (1 of 4 stars; one submission).

Conditions:
Aortic aneurysm, familial thoracic 4 (AAT4). Also called: AORTIC ANEURYSM/AORTIC DISSECTION AND PATENT DUCTUS ARTERIOSUS. Identifiers: MedGen C1851504, MONDO:0007568, OMIM 132900.

Allele frequency attached by ClinVar (database versions not stated): gnomAD exomes below 0.00001.
gnomAD v4.1: 1 of 1,613,708 alleles (0.000062%); highest among the groups gnomAD compares: Non-Finnish European, 0.000085%; no homozygotes.

Submission:

Labcorp Genetics (formerly Invitae), Labcorp
Classification: Uncertain significance for Aortic aneurysm, familial thoracic 4. Last evaluated: 2018-11-20. Review status: criteria provided, single submitter. Criteria: Invitae Variant Classification Sherloc (09022015). Collection method: clinical testing. Allele origin: germline.
Comment: In summary, the available evidence is currently insufficient to determine the role of this variant in disease. Therefore, it has been classified as a Variant of Uncertain Significance. Algorithms developed to predict the effect of missense changes on protein structure and function (SIFT, PolyPhen-2, Align-GVGD) all suggest that this variant is likely to be disruptive, but these predictions have not been confirmed by published functional studies and their clinical significance is uncertain. This variant has not been reported in the literature in individuals with MYH11-related disease. This variant is not present in population databases (ExAC no frequency). This sequence change replaces glutamine with glutamic acid at codon 1796 of the MYH11 protein (p.Gln1796Glu). The glutamine residue is highly conserved and there is a small physicochemical difference between glutamine and glutamic acid.